The following is an entry in ClinVar:

ClinVar aggregate classification (germline): Uncertain significance (0 of 4 stars; one submission).

Conditions:
Thrombophilia due to protein S deficiency, autosomal dominant (THPH5). Identifiers: Orphanet 26349, Orphanet 743, MedGen C3278211, MONDO:0012868, OMIM 612336. Disease mechanism: loss of function.

Submission:

Department of Transfusion Medicine and Hemostaseology, University Hospital Erlangen
Classification: Uncertain significance for Thrombophilia due to protein S deficiency, autosomal dominant. Last evaluated: 2025-09-01. Review status: no assertion criteria provided. Collection method: clinical testing. Allele origin: germline.
Comment: This variant was identified during a screening of patients with suspected hereditary Protein S deficiency. Currently, no literature is available describing this variant and according to dbSNP it represents a very rare genetic alteration, previously not detected in the European population according to the Allele Frequency Aggregator dataset. Several in silico variant effect prediction tools (PolyPhen-2, SIFT, AlphaMissense) classify this variant as likely benign. Taken together, we classified this variant as of uncertain significance.

NM_000313.4(PROS1):c.535C>A (p.Pro179Thr)

Gene: PROS1 (protein S; minus strand). Cytogenetic location: 3q11.1.
Variant type: single nucleotide variant.
Coding change: c.535C>A on transcript NM_000313.4 (MANE Select); coding-DNA position 535, C replaced by A.
Protein change: p.Pro179Thr; replaces proline 179 with threonine.
Molecular consequence: missense variant.
Genome position (GRCh38, 1-based): chr3:93,905,850, G>T on the plus strand (C>A on the coding strand, the complement: PROS1 is on the minus strand). VCF-style: chr3-93905850-G-T. GRCh37 (hg19) VCF-style: chr3-93624694-G-T.
Other names: c.631C>A, p.Pro211Thr (NM_001314077.2); short protein forms P179T, P211T.
Identifiers: ClinVar variation 4529457 (VCV004529457.1).